The following is an entry in ClinVar:

NM_004944.4(DNASE1L3):c.-6G>A

Gene: DNASE1L3 (deoxyribonuclease 1L3; minus strand). Cytogenetic location: 3p14.3.
Variant type: single nucleotide variant.
Coding change: c.-6G>A on transcript NM_004944.4 (MANE Select); 6 bases upstream of the start codon, G replaced by A.
Molecular consequence: 5 prime UTR variant.
Genome position (GRCh38, 1-based): chr3:58,210,912, C>T on the plus strand (G>A on the coding strand, the complement: DNASE1L3 is on the minus strand). VCF-style: chr3-58210912-C-T. GRCh37 (hg19) VCF-style: chr3-58196639-C-T.
Other names: c.-6G>A (NM_001256560.2).
Identifiers: ClinVar variation 2688375 (VCV002688375.5), dbSNP rs2292677, ClinGen allele CA2470156.

ClinVar aggregate classification (germline): Benign/Likely benign. Review status: criteria provided, multiple submitters, no conflicts (2 of 4 stars). 4 submissions from 4 submitters: Benign (3); Likely benign (1). Last evaluated 2026-01-21.

Allele frequency attached by ClinVar (database versions not stated): 1000 Genomes Project 30x 0.26499; 1000 Genomes Project 0.27276; ESP Exome Variant Server 0.28318; TOPMed 0.28702; gnomAD 0.28837; ExAC 0.31924; gnomAD exomes 0.33111.
gnomAD v4.1: 527,640 of 1,612,910 alleles (33%); highest among the groups gnomAD compares: East Asian, 39%; 88,175 homozygotes.

Submissions (4):

Women's Health and Genetics/Laboratory Corporation of America, LabCorp
Classification: Benign. Last evaluated: 2026-01-21. Review status: criteria provided, single submitter. Criteria: LabCorp Variant Classification Summary - May 2015. Collection method: clinical testing. Allele origin: germline.

Blueprint Genetics
Classification: Likely benign. Last evaluated: 2024-11-26. Review status: criteria provided, single submitter. Criteria: ACMG Guidelines, 2015. Collection method: clinical testing. Allele origin: germline.

Unidad de Genómica Garrahan, Hospital de Pediatría Garrahan
Classification: Benign. Last evaluated: 2024-01-24. Review status: criteria provided, single submitter. Criteria: ACMG Guidelines, 2015. Collection method: clinical testing. Allele origin: germline. Affected: no. Observed: 62 variant alleles.
Comment: This variant is classified as Benign based on local population frequency. This variant was detected in 70% of patients studied by a panel of primary immunodeficiencies. Number of patients: 62. Only high quality variants are reported.

Mayo Clinic Laboratories, Mayo Clinic
Classification: Benign. Last evaluated: 2022-09-06. Review status: criteria provided, single submitter. Criteria: ACMG Guidelines, 2015. Collection method: clinical testing. Allele origin: germline. Observed: 249 variant alleles.